The following is an entry in ClinVar:

ClinVar aggregate classification (germline): Uncertain significance (1 of 4 stars; one submission).

gnomAD v4.1: 2 of 1,614,210 alleles (0.00012%); highest among the groups gnomAD compares: Admixed American, 0.0033%; no homozygotes.

Submission:

Ambry Genetics
Classification: Uncertain significance. Last evaluated: 2024-10-25. Review status: criteria provided, single submitter. Criteria: Ambry Variant Classification Scheme 2023. Collection method: clinical testing. Allele origin: germline.
Comment: The p.D424E variant (also known as c.1272C>G), located in coding exon 7 of the GALNT12 gene, results from a C to G substitution at nucleotide position 1272. The aspartic acid at codon 424 is replaced by glutamic acid, an amino acid with highly similar properties. This amino acid position is conserved. In addition, this alteration is predicted to be tolerated by in silico analysis. Since supporting evidence is limited at this time, the clinical significance of this alteration remains unclear.

NM_024642.5(GALNT12):c.1272C>G (p.Asp424Glu)

Gene: GALNT12 (polypeptide N-acetylgalactosaminyltransferase 12; plus strand). Cytogenetic location: 9q22.33.
Variant type: single nucleotide variant.
Coding change: c.1272C>G on transcript NM_024642.5 (MANE Select); coding-DNA position 1272, C replaced by G.
Protein change: p.Asp424Glu; replaces aspartic acid 424 with glutamic acid.
Molecular consequence: missense variant.
Genome position (GRCh38, 1-based): chr9:98,840,061, C>G. VCF-style: chr9-98840061-C-G. GRCh37 (hg19) VCF-style: chr9-101602343-C-G.
Other names: short protein forms D424E.
Identifiers: ClinVar variation 1765696 (VCV001765696.3), dbSNP rs1420217487, ClinGen allele CA374221005.